The following is an entry in ClinVar:

ClinVar aggregate classification (germline): Uncertain significance. Review status: criteria provided, multiple submitters, no conflicts (2 of 4 stars). 3 submissions from 3 submitters: Uncertain significance (3). Last evaluated 2025-06-18.

Conditions:
Colorectal cancer, susceptibility to, 1. Also called: COLORECTAL ADENOMA AND CANCER, SUSCEPTIBILITY TO; COLORECTAL CANCER, SUSCEPTIBILITY TO, ON CHROMOSOME 9. Identifiers: MedGen C1837315, MONDO:0012132, OMIM 608812.

Allele frequency attached by ClinVar (database versions not stated): gnomAD exomes below 0.00001; TOPMed 0.00001.
gnomAD v4.1: 3 of 1,464,816 alleles (0.0002%); highest among the groups gnomAD compares: Non-Finnish European, 0.00027%; no homozygotes.

Submissions (3):

Labcorp Genetics (formerly Invitae), Labcorp
Classification: Uncertain significance. Last evaluated: 2025-06-18. Review status: criteria provided, single submitter. Criteria: Invitae Variant Classification Sherloc (09022015). Collection method: clinical testing. Allele origin: germline.
Comment: This sequence change creates a premature translational stop signal (p.Glu89*) in the GALNT12 gene. It is expected to result in an absent or disrupted protein product. However, the current clinical and genetic evidence is not sufficient to establish whether loss-of-function variants in GALNT12 cause disease. The frequency data for this variant in the population databases is considered unreliable, as metrics indicate poor data quality at this position in the gnomAD database. This variant has not been reported in the literature in individuals affected with GALNT12-related conditions. ClinVar contains an entry for this variant (Variation ID: 821592). In summary, the available evidence is currently insufficient to determine the role of this variant in disease. Therefore, it has been classified as a Variant of Uncertain Significance.

Department of Pathology and Laboratory Medicine, Sinai Health System
Classification: Uncertain significance for Colorectal cancer, susceptibility to, 1. Last evaluated: 2024-05-27. Review status: criteria provided, single submitter. Criteria: ACMG Guidelines, 2015. Collection method: clinical testing. Allele origin: germline. Affected: yes.

Ambry Genetics
Classification: Uncertain significance. Last evaluated: 2022-08-30. Review status: criteria provided, single submitter. Criteria: Ambry Variant Classification Scheme 2023. Collection method: clinical testing. Allele origin: germline.
Comment: The p.E89* variant (also known as c.265G>T), located in coding exon 1 of the GALNT12 gene, results from a G to T substitution at nucleotide position 265. This changes the amino acid from a glutamic acid to a stop codon within coding exon 1. This alteration is expected to result in premature protein truncation or nonsense-mediated mRNA decay. However, loss of function of GALNT12 has not been established as a mechanism of disease and the evidence for this gene-disease relationship is limited; therefore, the clinical significance of this alteration is unclear.

NM_024642.5(GALNT12):c.265G>T (p.Glu89Ter)

Gene: GALNT12 (polypeptide N-acetylgalactosaminyltransferase 12; plus strand). Cytogenetic location: 9q22.33.
Variant type: single nucleotide variant.
Coding change: c.265G>T on transcript NM_024642.5 (MANE Select); coding-DNA position 265, G replaced by T.
Protein change: p.Glu89Ter; replaces glutamic acid 89 with a stop codon.
Molecular consequence: nonsense.
Genome position (GRCh38, 1-based): chr9:98,807,963, G>T. VCF-style: chr9-98807963-G-T. GRCh37 (hg19) VCF-style: chr9-101570245-G-T.
Other names: short protein forms E89*.
Identifiers: ClinVar variation 821592 (VCV000821592.11), dbSNP rs1374853820, ClinGen allele CA374222679.